The following is an entry in ClinVar:

NM_000038.6(APC):c.62C>G (p.Ser21Ter)

Gene: APC (APC regulator of Wnt signaling pathway; plus strand). Cytogenetic location: 5q22.2.
Variant type: single nucleotide variant.
Coding change: c.62C>G on transcript NM_000038.6 (MANE Select); coding-DNA position 62, C replaced by G.
Protein change: p.Ser21Ter; replaces serine 21 with a stop codon.
Molecular consequence: nonsense. On other transcripts: 5 prime UTR variant (1), intron variant (8).
Genome position (GRCh38, 1-based): chr5:112,754,952, C>G. VCF-style: chr5-112754952-C-G. GRCh37 (hg19) VCF-style: chr5-112090649-C-G.
Other names: c.62C>G, p.Ser21Ter (NM_001127510.3, NM_001354895.2, NM_001354896.2 and 2 more transcripts); c.-974C>G (NM_001354906.2); c.166-11374C>G (NM_001354897.2, NM_001354902.2, NM_001127511.3); c.61-11374C>G (NM_001354898.2, NM_001354904.2); c.-42-11374C>G (NM_001354900.2, NM_001354901.2, NM_001354905.2); short protein forms S21*.
Identifiers: ClinVar variation 1377151 (VCV001377151.6), dbSNP rs1361289668, ClinGen allele CA16021477.

ClinVar aggregate classification (germline): Pathogenic (1 of 4 stars; one submission).

Conditions:
Familial adenomatous polyposis 1 (FAP1). Also called: FAMILIAL ADENOMATOUS POLYPOSIS 1, ATTENUATED; POLYPOSIS, ADENOMATOUS INTESTINAL. Identifiers: MedGen C2713442, MONDO:0021056, OMIM 175100. Disease mechanism: loss of function.

Allele frequency attached by ClinVar (database versions not stated): gnomAD exomes below 0.00001.
gnomAD v4.1: 1 of 1,613,706 alleles (0.000062%); highest among the groups gnomAD compares: Admixed American, 0.0017%; no homozygotes.

Submission:

Labcorp Genetics (formerly Invitae), Labcorp
Classification: Pathogenic for Familial adenomatous polyposis 1. Last evaluated: 2025-03-03. Review status: criteria provided, single submitter. Criteria: Invitae Variant Classification Sherloc (09022015). Collection method: clinical testing. Allele origin: germline.
Comment: This sequence change creates a premature translational stop signal (p.Ser21*) in the APC gene. It is expected to result in an absent or disrupted protein product. Loss-of-function variants in APC are known to be pathogenic (PMID: 17963004, 20685668). This variant is present in population databases (no rsID available, gnomAD 0.003%). This variant has not been reported in the literature in individuals affected with APC-related conditions. ClinVar contains an entry for this variant (Variation ID: 1377151). For these reasons, this variant has been classified as Pathogenic.

Literature cited by the submitters: PubMed 17963004; PubMed 20685668.